The following is an entry in ClinVar:

ClinVar aggregate classification (germline): Uncertain significance (1 of 4 stars; one submission).

Conditions:
Hereditary cancer-predisposing syndrome. Also called: Neoplastic Syndromes, Hereditary; Tumor predisposition; Hereditary neoplastic syndrome; Hereditary Cancer Syndrome. Identifiers: Orphanet 140162, MedGen C0027672, MeSH D009386, MONDO:0015356.

Allele frequency attached by ClinVar (database versions not stated): gnomAD exomes below 0.00001.
gnomAD v4.1: 1 of 1,614,096 alleles (0.000062%); highest among the groups gnomAD compares: Admixed American, 0.0017%; no homozygotes.

Submission:

Ambry Genetics
Classification: Uncertain significance for Hereditary cancer-predisposing syndrome. Last evaluated: 2019-01-24. Review status: criteria provided, single submitter. Criteria: Ambry Variant Classification Scheme 2023. Collection method: clinical testing. Allele origin: germline.
Comment: The p.Q129R variant (also known as c.386A>G), located in coding exon 5 of the RAD51D gene, results from an A to G substitution at nucleotide position 386. The glutamine at codon 129 is replaced by arginine, an amino acid with highly similar properties. This amino acid position is well conserved in available vertebrate species. In addition, this alteration is predicted to be tolerated by in silico analysis. Since supporting evidence is limited at this time, the clinical significance of this alteration remains unclear.

NM_002878.4(RAD51D):c.386A>G (p.Gln129Arg)

Genes: RAD51D (RAD51 paralog D; minus strand), RAD51L3-RFFL (RAD51L3-RFFL readthrough; minus strand). Cytogenetic location: 17q12.
Variant type: single nucleotide variant.
Coding change: c.386A>G on transcript NM_002878.4 (MANE Select); coding-DNA position 386, A replaced by G.
Protein change: p.Gln129Arg; replaces glutamine 129 with arginine.
Molecular consequence: missense variant. On other transcripts: non-coding transcript variant (1), intron variant (1).
Genome position (GRCh38, 1-based): chr17:35,107,082, T>C on the plus strand (A>G on the coding strand, the complement: RAD51D is on the minus strand). VCF-style: chr17-35107082-T-C. GRCh37 (hg19) VCF-style: chr17-33434101-T-C.
Other names: c.446A>G, p.Gln149Arg (NM_001142571.2); c.145-601A>G (NM_133629.3); short protein forms Q129R, Q149R.
Identifiers: ClinVar variation 824321 (VCV000824321.4), dbSNP rs1165240216, ClinGen allele CA399089330.